The following is an entry in ClinVar:

ClinVar aggregate classification (germline): Uncertain significance. Review status: criteria provided, multiple submitters, no conflicts (2 of 4 stars). 2 submissions from 2 submitters: Uncertain significance (2). Last evaluated 2026-04-02.

Conditions:
Developmental and epileptic encephalopathy, 23 (DEE23). Also called: Epileptic encephalopathy, early infantile, 23. Identifiers: Orphanet 411986, MedGen C4014492, MONDO:0014371, OMIM 615859.

Allele frequency attached by ClinVar (database versions not stated): gnomAD exomes below 0.00001.
gnomAD v4.1: 1 of 1,613,516 alleles (0.000062%); highest among the groups gnomAD compares: Non-Finnish European, 0.000085%; no homozygotes.

Submissions (2):

GeneDx
Classification: Uncertain significance. Last evaluated: 2026-04-02. Review status: criteria provided, single submitter. Criteria: GeneDx Variant Classification Process June 2021. Collection method: clinical testing. Allele origin: germline.
Comment: Not observed at significant frequency in large population cohorts (gnomAD); In silico analysis supports that this missense variant has a deleterious effect on protein structure/function; Has not been previously published as pathogenic or benign to our knowledge

Labcorp Genetics (formerly Invitae), Labcorp
Classification: Uncertain significance for Developmental and epileptic encephalopathy, 23. Last evaluated: 2022-07-03. Review status: criteria provided, single submitter. Criteria: Invitae Variant Classification Sherloc (09022015). Collection method: clinical testing. Allele origin: germline.
Comment: In summary, the available evidence is currently insufficient to determine the role of this variant in disease. Therefore, it has been classified as a Variant of Uncertain Significance. Algorithms developed to predict the effect of missense changes on protein structure and function are either unavailable or do not agree on the potential impact of this missense change (SIFT: "Deleterious"; PolyPhen-2: "Probably Damaging"; Align-GVGD: "Class C0"). This variant has not been reported in the literature in individuals affected with DOCK7-related conditions. This variant is not present in population databases (gnomAD no frequency). This sequence change replaces proline, which is neutral and non-polar, with leucine, which is neutral and non-polar, at codon 495 of the DOCK7 protein (p.Pro495Leu).

NM_001367561.1(DOCK7):c.1484C>T (p.Pro495Leu)

Gene: DOCK7 (dedicator of cytokinesis 7; minus strand). Cytogenetic location: 1p31.3.
Variant type: single nucleotide variant.
Coding change: c.1484C>T on transcript NM_001367561.1 (MANE Select); coding-DNA position 1484, C replaced by T.
Protein change: p.Pro495Leu; replaces proline 495 with leucine.
Molecular consequence: missense variant.
Genome position (GRCh38, 1-based): chr1:62,619,935, G>A on the plus strand (C>T on the coding strand, the complement: DOCK7 is on the minus strand). VCF-style: chr1-62619935-G-A. GRCh37 (hg19) VCF-style: chr1-63085606-G-A.
Other names: c.1484C>T, p.Pro495Leu (NM_001271999.2, NM_001272000.2, NM_001272001.2 and 3 more transcripts); c.1484C>T (NM_001271999.1); short protein forms P495L.
Identifiers: ClinVar variation 2013698 (VCV002013698.5), dbSNP rs2522881661, ClinGen allele CA340614311.